The following is an entry in ClinVar:

NM_007118.4(TRIO):c.2890G>A (p.Ala964Thr)

Gene: TRIO (trio Rho guanine nucleotide exchange factor; plus strand). Cytogenetic location: 5p15.2.
Variant type: single nucleotide variant.
Coding change: c.2890G>A on transcript NM_007118.4 (MANE Select); coding-DNA position 2890, G replaced by A.
Protein change: p.Ala964Thr; replaces alanine 964 with threonine.
Molecular consequence: missense variant. On other transcripts: non-coding transcript variant (1).
Genome position (GRCh38, 1-based): chr5:14,368,723, G>A. VCF-style: chr5-14368723-G-A. GRCh37 (hg19) VCF-style: chr5-14368832-G-A.
Other names: short protein forms A964T.
Identifiers: ClinVar variation 5041081 (VCV005041081.1).

ClinVar aggregate classification (germline): Likely benign (1 of 4 stars; one submission).

gnomAD v4.1: 25 of 1,613,532 alleles (0.0015%); highest among the groups gnomAD compares: East Asian, 0.0022%; no homozygotes.

Submission:

CeGaT Center for Human Genetics Tuebingen
Classification: Likely benign. Last evaluated: 2026-09-01. Review status: criteria provided, single submitter. Criteria: CeGaT Center For Human Genetics Tuebingen Variant Classification Criteria Version 2. Collection method: clinical testing. Allele origin: germline. Affected: yes. Observed: 1 variant allele.
Comment: TRIO: BS2